The following is an entry in ClinVar:

ClinVar aggregate classification (germline): Uncertain significance. Review status: criteria provided, multiple submitters, no conflicts (2 of 4 stars). 2 submissions from 2 submitters: Uncertain significance (2). Last evaluated 2025-09-30.

Conditions:
Inborn genetic diseases. Identifiers: MedGen C0950123, MeSH D030342.
Pyogenic arthritis-pyoderma gangrenosum-acne syndrome (PAPA). Also called: FAMILIAL RECURRENT ARTHRITIS; PAPA SYNDROME. Identifiers: Orphanet 69126, MedGen C1858361, MONDO:0011462, OMIM 604416.

Allele frequency attached by ClinVar (database versions not stated): gnomAD exomes below 0.00001 and 0.00001; TOPMed below 0.00001; ExAC 0.00001; gnomAD 0.00001 and 0.00002; ESP Exome Variant Server 0.00008; 1000 Genomes Project 30x 0.00016.
gnomAD v4.1: 23 of 1,610,824 alleles (0.0014%); highest among the groups gnomAD compares: Non-Finnish European, 0.0019%; no homozygotes.

Submissions (2):

Labcorp Genetics (formerly Invitae), Labcorp
Classification: Uncertain significance for Pyogenic arthritis-pyoderma gangrenosum-acne syndrome. Last evaluated: 2025-09-30. Review status: criteria provided, single submitter. Criteria: Invitae Variant Classification Sherloc (09022015). Collection method: clinical testing. Allele origin: germline.
Comment: This sequence change replaces valine, which is neutral and non-polar, with methionine, which is neutral and non-polar, at codon 350 of the PSTPIP1 protein (p.Val350Met). The frequency data for this variant in the population databases is considered unreliable, as metrics indicate poor data quality at this position in the gnomAD database. This variant has not been reported in the literature in individuals affected with PSTPIP1-related conditions. ClinVar contains an entry for this variant (Variation ID: 1010341). Invitae Evidence Modeling of protein sequence and biophysical properties (such as structural, functional, and spatial information, amino acid conservation, physicochemical variation, residue mobility, and thermodynamic stability) indicates that this missense variant is not expected to disrupt PSTPIP1 protein function with a negative predictive value of 80%. In summary, the available evidence is currently insufficient to determine the role of this variant in disease. Therefore, it has been classified as a Variant of Uncertain Significance.

Ambry Genetics
Classification: Uncertain significance for Inborn genetic diseases. Last evaluated: 2024-01-09. Review status: criteria provided, single submitter. Criteria: Ambry Variant Classification Scheme 2023. Collection method: clinical testing. Allele origin: germline.

NM_003978.5(PSTPIP1):c.1048G>A (p.Val350Met)

Gene: PSTPIP1 (proline-serine-threonine phosphatase interacting protein 1; plus strand). Cytogenetic location: 15q24.3.
Variant type: single nucleotide variant.
Coding change: c.1048G>A on transcript NM_003978.5 (MANE Select); coding-DNA position 1048, G replaced by A.
Protein change: p.Val350Met; replaces valine 350 with methionine.
Molecular consequence: missense variant. On other transcripts: non-coding transcript variant (1).
Genome position (GRCh38, 1-based): chr15:77,035,864, G>A. VCF-style: chr15-77035864-G-A. GRCh37 (hg19) VCF-style: chr15-77328205-G-A.
Other names: c.991G>A, p.Val331Met (NM_001321135.2); c.1021G>A, p.Val341Met (NM_001321136.2); c.1243G>A, p.Val415Met (NM_001321137.1); c.1048G>A (NM_003978.3); short protein forms V331M, V341M, V350M, V415M.
Identifiers: ClinVar variation 1010341 (VCV001010341.10), dbSNP rs368482922, ClinGen allele CA7676148.